The following is an entry in ClinVar:

ClinVar aggregate classification (germline): Uncertain significance (1 of 4 stars; one submission).

Conditions:
Chédiak-Higashi syndrome (CHS). Also called: Chediak-Higashi Syndrome. Identifiers: Orphanet 167, MedGen C0007965, MONDO:0008963, OMIM 214500.

Allele frequency attached by ClinVar (database versions not stated): gnomAD exomes 0.00002; ExAC 0.00005; gnomAD 0.00005; TOPMed 0.00008; ESP Exome Variant Server 0.00015; 1000 Genomes Project 0.00020; 1000 Genomes Project 30x 0.00031.
gnomAD v4.1: 36 of 1,613,980 alleles (0.0022%); highest among the groups gnomAD compares: African/African-American, 0.017%; 1 homozygote.

Submission:

Labcorp Genetics (formerly Invitae), Labcorp
Classification: Uncertain significance for Chédiak-Higashi syndrome. Last evaluated: 2022-07-29. Review status: criteria provided, single submitter. Criteria: Invitae Variant Classification Sherloc (09022015). Collection method: clinical testing. Allele origin: germline.
Comment: This sequence change replaces arginine, which is basic and polar, with histidine, which is basic and polar, at codon 207 of the LYST protein (p.Arg207His). This variant is present in population databases (rs377581916, gnomAD 0.02%). This variant has not been reported in the literature in individuals affected with LYST-related conditions. Algorithms developed to predict the effect of missense changes on protein structure and function output the following: SIFT: "Tolerated"; PolyPhen-2: "Benign"; Align-GVGD: "Class C0". The histidine amino acid residue is found in multiple mammalian species, which suggests that this missense change does not adversely affect protein function. In summary, the available evidence is currently insufficient to determine the role of this variant in disease. Therefore, it has been classified as a Variant of Uncertain Significance.

NM_000081.4(LYST):c.620G>A (p.Arg207His)

Gene: LYST (lysosomal trafficking regulator; minus strand). Cytogenetic location: 1q42.3.
Variant type: single nucleotide variant.
Coding change: c.620G>A on transcript NM_000081.4 (MANE Select); coding-DNA position 620, G replaced by A.
Protein change: p.Arg207His; replaces arginine 207 with histidine.
Molecular consequence: missense variant.
Genome position (GRCh38, 1-based): chr1:235,810,198, C>T on the plus strand (G>A on the coding strand, the complement: LYST is on the minus strand). VCF-style: chr1-235810198-C-T. GRCh37 (hg19) VCF-style: chr1-235973498-C-T.
Other names: c.620G>A, p.Arg207His (NM_001301365.1); short protein forms R207H.
Identifiers: ClinVar variation 2201837 (VCV002201837.1), dbSNP rs377581916, ClinGen allele CA1467592.